The following is an entry in ClinVar:

NM_000245.4(MET):c.3888G>T (p.Leu1296Phe)

Gene: MET (MET proto-oncogene, receptor tyrosine kinase; plus strand). Cytogenetic location: 7q31.2.
Variant type: single nucleotide variant.
Coding change: c.3888G>T on transcript NM_000245.4 (MANE Select); coding-DNA position 3888, G replaced by T.
Protein change: p.Leu1296Phe; replaces leucine 1296 with phenylalanine.
Molecular consequence: missense variant.
Genome position (GRCh38, 1-based): chr7:116,795,744, G>T. VCF-style: chr7-116795744-G-T. GRCh37 (hg19) VCF-style: chr7-116435798-G-T.
Other names: c.3942G>T, p.Leu1314Phe (NM_001127500.3); c.2598G>T, p.Leu866Phe (NM_001324402.2); short protein forms L1296F, L1314F, L866F.
Identifiers: ClinVar variation 4859998 (VCV004859998.1).
Genomic context (GRCh38, chr7:116,795,744, plus strand): 5'-GATGACAAGAGGAGCCCCACCTTATCCTGACGTAAACACCTTTGATATAACTGTTTACTT[G>T]TTGCAAGGGAGAAGACTCCTACAACCCGAATACTGCCCAGACCCCTTGTAAGTAGTCTTT-3'
Protein context (NP_000236.2, residues 1286-1306): DVNTFDITVY[Leu1296Phe]LQGRRLLQPE

ClinVar aggregate classification (germline): Uncertain significance (1 of 4 stars; one submission).

Conditions:
Hereditary cancer-predisposing syndrome. Also called: Neoplastic Syndromes, Hereditary; Tumor predisposition; Hereditary Cancer Syndrome; Hereditary neoplastic syndrome. Identifiers: Orphanet 140162, MedGen C0027672, MeSH D009386, MONDO:0015356.

Submission:

Ambry Genetics
Classification: Uncertain significance for Hereditary cancer-predisposing syndrome. Last evaluated: 2026-05-28. Review status: criteria provided, single submitter. Criteria: Ambry Variant Classification Scheme 2023. Collection method: clinical testing. Allele origin: germline.
Comment: The p.L1314F variant (also known as c.3942G>T), located in coding exon 19 of the MET gene, results from a G to T substitution at nucleotide position 3942. The leucine at codon 1314 is replaced by phenylalanine, an amino acid with highly similar properties. This amino acid position is conserved. In addition, this alteration is predicted to be deleterious by in silico analysis. Based on the available evidence, the clinical significance of this variant remains unclear.